The following is an entry in ClinVar:

ClinVar aggregate classification (germline): Likely benign (1 of 4 stars; one submission).

Submission:

GeneDx
Classification: Likely benign. Last evaluated: 2018-04-11. Review status: criteria provided, single submitter. Criteria: GeneDx Variant Classification (06012015). Collection method: clinical testing. Allele origin: germline. Affected: yes.
Comment: This variant is considered likely benign or benign based on one or more of the following criteria: it is a conservative change, it occurs at a poorly conserved position in the protein, it is predicted to be benign by multiple in silico algorithms, and/or has population frequency not consistent with disease.

NM_001372044.2(SHANK3):c.3153C>A (p.Pro1051=)

Gene: SHANK3 (SH3 and multiple ankyrin repeat domains 3; plus strand). Cytogenetic location: 22q13.33.
Variant type: single nucleotide variant.
Coding change: c.3153C>A on transcript NM_001372044.2 (MANE Select); coding-DNA position 3153, C replaced by A.
Protein change: p.Pro1051=; no amino-acid change (proline 1051 retained).
Molecular consequence: synonymous variant.
Genome position (GRCh38, 1-based): chr22:50,720,761, C>A. VCF-style: chr22-50720761-C-A. GRCh37 (hg19) VCF-style: chr22-51159189-C-A.
Other names: c.2928C>A, p.Pro976= (NM_033517.1).
Identifiers: ClinVar variation 681577 (VCV000681577.1), dbSNP rs1183722632, ClinGen allele CA515260212.
Genomic context (GRCh38, chr22:50,720,761, plus strand): 5'-GCAGCTGCAGGTGGAGGACGCGCAGGAGCGCGCGGCCCTGGCCGTGGGCAGCCCCGGTCC[C>A]GGCGGCGGCAGCTTCGCCCGCGAGCCCTCCCCGACCCACCGCGGTCCGCGCCCGGGTGGC-3'
Protein context (NP_001358973.1, residues 1041-1061): RAALAVGSPG[Pro1051=]GGGSFAREPS